The following is an entry in ClinVar:

NM_001365480.1(CCDC88A):c.2918A>G (p.Glu973Gly)

Gene: CCDC88A (coiled-coil domain containing 88A; minus strand). Cytogenetic location: 2p16.1.
Variant type: single nucleotide variant.
Coding change: c.2918A>G on transcript NM_001365480.1 (MANE Select); coding-DNA position 2918, A replaced by G.
Protein change: p.Glu973Gly; replaces glutamic acid 973 with glycine.
Molecular consequence: missense variant.
Genome position (GRCh38, 1-based): chr2:55,328,373, T>C on the plus strand (A>G on the coding strand, the complement: CCDC88A is on the minus strand). VCF-style: chr2-55328373-T-C. GRCh37 (hg19) VCF-style: chr2-55555509-T-C.
Other names: c.2915A>G, p.Glu972Gly (NM_001135597.2, NM_001254943.2); c.2918A>G, p.Glu973Gly (NM_018084.5); short protein forms E973G, E972G.
Identifiers: ClinVar variation 2100404 (VCV002100404.2), dbSNP rs748161301, ClinGen allele CA1665890.

ClinVar aggregate classification (germline): Uncertain significance (1 of 4 stars; one submission).

Allele frequency attached by ClinVar (database versions not stated): gnomAD exomes below 0.00001; TOPMed below 0.00001; ExAC 0.00001.
gnomAD v4.1: 2 of 1,599,554 alleles (0.00013%); highest among the groups gnomAD compares: African/African-American, 0.0027%; no homozygotes.

Submission:

Labcorp Genetics (formerly Invitae), Labcorp
Classification: Uncertain significance. Last evaluated: 2022-08-01. Review status: criteria provided, single submitter. Criteria: Invitae Variant Classification Sherloc (09022015). Collection method: clinical testing. Allele origin: germline.
Comment: This sequence change replaces glutamic acid, which is acidic and polar, with glycine, which is neutral and non-polar, at codon 972 of the CCDC88A protein (p.Glu972Gly). This variant is present in population databases (rs748161301, gnomAD 0.007%). This variant has not been reported in the literature in individuals affected with CCDC88A-related conditions. Algorithms developed to predict the effect of missense changes on protein structure and function are either unavailable or do not agree on the potential impact of this missense change (SIFT: "Deleterious"; PolyPhen-2: "Probably Damaging"; Align-GVGD: "Class C15"). In summary, the available evidence is currently insufficient to determine the role of this variant in disease. Therefore, it has been classified as a Variant of Uncertain Significance.